The following is an entry in ClinVar:

ClinVar aggregate classification (germline): Uncertain significance (1 of 4 stars; one submission).

Conditions:
Oculofaciocardiodental syndrome (MCOPS2). Identifiers: Orphanet 2712, MedGen C1846265, MONDO:0010261, OMIM 300166.

Submission:

Labcorp Genetics (formerly Invitae), Labcorp
Classification: Uncertain significance for Oculofaciocardiodental syndrome. Last evaluated: 2023-06-20. Review status: criteria provided, single submitter. Criteria: Invitae Variant Classification Sherloc (09022015). Collection method: clinical testing. Allele origin: germline.
Comment: In summary, the available evidence is currently insufficient to determine the role of this variant in disease. Therefore, it has been classified as a Variant of Uncertain Significance. Algorithms developed to predict the effect of sequence changes on RNA splicing suggest that this variant may disrupt the consensus splice site. This variant has not been reported in the literature in individuals affected with BCOR-related conditions. This variant is not present in population databases (gnomAD no frequency). This sequence change affects codon 1265 of the BCOR mRNA. It is a 'silent' change, meaning that it does not change the encoded amino acid sequence of the BCOR protein.

NM_001123385.2(BCOR):c.3897C>A (p.Thr1299=)

Gene: BCOR (BCL6 corepressor; minus strand). Cytogenetic location: Xp11.4.
Variant type: single nucleotide variant.
Coding change: c.3897C>A on transcript NM_001123385.2 (MANE Select); coding-DNA position 3897, C replaced by A.
Protein change: p.Thr1299=; no amino-acid change (threonine 1299 retained).
Molecular consequence: synonymous variant.
Genome position (GRCh38, 1-based): chrX:40,063,022, G>T on the plus strand (C>A on the coding strand, the complement: BCOR is on the minus strand). VCF-style: chrX-40063022-G-T. GRCh37 (hg19) VCF-style: chrX-39922275-G-T.
Other names: c.3795C>A, p.Thr1265= (NM_001123383.2, NM_017745.6); c.3741C>A, p.Thr1247= (NM_001123384.2).
Identifiers: ClinVar variation 2851708 (VCV002851708.3), dbSNP rs2519607408, ClinGen allele CA515966471.
Genomic context (GRCh38, chrX:40,063,022, plus strand): 5'-GGCAGGCGGCCTGGAGGCTGGTGCGCAGCTTGGCTGAGCCTGCTTTTTGCCGCCTGCACT[G>T]GTGGATGAAAGACTCTTCATGGGCGGAGAGCCGGAGAACACAGGCAAGCCTAAATACGGA-3'
Protein context (NP_001116857.1, residues 1289-1309): GSPPMKSLSS[Thr1299=]SAGGKKQAQP